The following is an entry in ClinVar:

ClinVar aggregate classification (germline): Uncertain significance (1 of 4 stars; one submission).

Submission:

GeneDx
Classification: Uncertain significance. Last evaluated: 2025-04-13. Review status: criteria provided, single submitter. Criteria: GeneDx Variant Classification Process June 2021. Collection method: clinical testing. Allele origin: germline. Affected: yes.
Comment: Not observed at significant frequency in large population cohorts (gnomAD); In silico analysis supports that this missense variant has a deleterious effect on protein structure/function; Has not been previously published as pathogenic or benign to our knowledge

NM_014991.6(WDFY3):c.8387T>C (p.Val2796Ala)

Gene: WDFY3 (WD repeat and FYVE domain containing 3; minus strand). Cytogenetic location: 4q21.23.
Variant type: single nucleotide variant.
Coding change: c.8387T>C on transcript NM_014991.6 (MANE Select); coding-DNA position 8387, T replaced by C.
Protein change: p.Val2796Ala; replaces valine 2796 with alanine.
Molecular consequence: missense variant.
Genome position (GRCh38, 1-based): chr4:84,704,393, A>G on the plus strand (T>C on the coding strand, the complement: WDFY3 is on the minus strand). VCF-style: chr4-84704393-A-G. GRCh37 (hg19) VCF-style: chr4-85625546-A-G.
Other names: short protein forms V2796A.
Identifiers: ClinVar variation 4527104 (VCV004527104.1).
Genomic context (GRCh38, chr4:84,704,393, plus strand): 5'-TTTACCTGTAGCCTTAAGAATATCTGTGTGAAAGGCTCCATCCTTACAAGGTATGAGGCC[A>G]CAATCATTGCAGATGAATAGTGGGTCCCATAGTGGTATGCAGGAGTTTCTCCTGTTTAAG-3'
Protein context (NP_055806.2, residues 2786-2806): YGTHYSSAMI[Val2796Ala]ASYLVRMEPF